The following is an entry in ClinVar:

NM_017875.4(SLC25A38):c.391G>A (p.Val131Met)

Gene: SLC25A38 (solute carrier family 25 member 38; plus strand). Cytogenetic location: 3p22.1.
Variant type: single nucleotide variant.
Coding change: c.391G>A on transcript NM_017875.4 (MANE Select); coding-DNA position 391, G replaced by A.
Protein change: p.Val131Met; replaces valine 131 with methionine.
Molecular consequence: missense variant.
Genome position (GRCh38, 1-based): chr3:39,391,555, G>A. VCF-style: chr3-39391555-G-A. GRCh37 (hg19) VCF-style: chr3-39433046-G-A.
Other names: c.391G>A, p.Val131Met (NM_001354798.2); c.391G>A (NM_017875.2); short protein forms V131M.
Identifiers: ClinVar variation 1403217 (VCV001403217.8), dbSNP rs570610363, ClinGen allele CA73039084.

ClinVar aggregate classification (germline): Conflicting classifications of pathogenicity. Review status: criteria provided, conflicting classifications (1 of 4 stars). 3 submissions from 3 submitters: Uncertain significance (2); Likely benign (1). Last evaluated 2024-06-25.

Conditions:
Inborn genetic diseases. Identifiers: MedGen C0950123, MeSH D030342.

Allele frequency attached by ClinVar (database versions not stated): gnomAD exomes below 0.00001; gnomAD 0.00001; 1000 Genomes Project 30x 0.00016; 1000 Genomes Project 0.00020.

Submissions (3):

Ambry Genetics
Classification: Uncertain significance for Inborn genetic diseases. Last evaluated: 2024-06-25. Review status: criteria provided, single submitter. Criteria: Ambry Variant Classification Scheme 2023. Collection method: clinical testing. Allele origin: germline.

Labcorp Genetics (formerly Invitae), Labcorp
Classification: Uncertain significance. Last evaluated: 2021-11-27. Review status: criteria provided, single submitter. Criteria: Invitae Variant Classification Sherloc (09022015). Collection method: clinical testing. Allele origin: germline.
Comment: In summary, the available evidence is currently insufficient to determine the role of this variant in disease. Therefore, it has been classified as a Variant of Uncertain Significance. Algorithms developed to predict the effect of missense changes on protein structure and function output the following: SIFT: "Tolerated"; PolyPhen-2: "Benign"; Align-GVGD: "Class C0". The methionine amino acid residue is found in multiple mammalian species, which suggests that this missense change does not adversely affect protein function. This variant has not been reported in the literature in individuals affected with SLC25A38-related conditions. This variant is not present in population databases (gnomAD no frequency). This sequence change replaces valine, which is neutral and non-polar, with methionine, which is neutral and non-polar, at codon 131 of the SLC25A38 protein (p.Val131Met).

Blueprint Genetics
Classification: Likely benign. Last evaluated: 2021-09-15. Review status: criteria provided, single submitter. Criteria: ACMG Guidelines, 2015. Collection method: clinical testing. Allele origin: germline.